The following is an entry in ClinVar:

ClinVar aggregate classification (germline): Conflicting classifications of pathogenicity. Review status: criteria provided, conflicting classifications (1 of 4 stars). 5 submissions from 5 submitters: Uncertain significance (4); Likely benign (1). Last evaluated 2025-06-12.

Conditions:
Inborn genetic diseases. Identifiers: MedGen C0950123, MeSH D030342.
Developmental and epileptic encephalopathy, 18 (DEE18). Also called: Early infantile epileptic encephalopathy 18. Identifiers: Orphanet 369894, MedGen C3809624, MONDO:0014201, OMIM 615476.

Allele frequency attached by ClinVar (database versions not stated): gnomAD 0.00012; 1000 Genomes Project 30x 0.00016; ESP Exome Variant Server 0.00015; TOPMed 0.00012.
gnomAD v4.1: 105 of 1,609,968 alleles (0.0065%); highest among the groups gnomAD compares: African/African-American, 0.033%; no homozygotes.

Submissions (5):

GeneDx
Classification: Uncertain significance. Last evaluated: 2025-06-12. Review status: criteria provided, single submitter. Criteria: GeneDx Variant Classification Process June 2021. Collection method: clinical testing. Allele origin: germline. Affected: yes.
Comment: Not observed at significant frequency in large population cohorts (gnomAD); In silico analysis suggests that this missense variant does not alter protein structure/function; Has not been previously published as pathogenic or benign to our knowledge

Ambry Genetics
Classification: Likely benign for Inborn genetic diseases. Last evaluated: 2023-11-28. Review status: criteria provided, single submitter. Criteria: Ambry Variant Classification Scheme 2023. Collection method: clinical testing. Allele origin: germline.

Greenwood Genetic Center Diagnostic Laboratories, Greenwood Genetic Center
Classification: Uncertain significance. Last evaluated: 2023-05-31. Review status: criteria provided, single submitter. Criteria: ACMG Guidelines, 2015. Collection method: clinical testing. Allele origin: germline. Affected: yes.
Comment: PM2, BP4

Genome-Nilou Lab
Classification: Uncertain significance for Developmental and epileptic encephalopathy, 18. Last evaluated: 2023-04-11. Review status: criteria provided, single submitter. Criteria: ACMG Guidelines, 2015. Collection method: clinical testing. Allele origin: germline. Affected: no.

Labcorp Genetics (formerly Invitae), Labcorp
Classification: Uncertain significance. Last evaluated: 2022-07-10. Review status: criteria provided, single submitter. Criteria: Invitae Variant Classification Sherloc (09022015). Collection method: clinical testing. Allele origin: germline.
Comment: This sequence change replaces arginine, which is basic and polar, with histidine, which is basic and polar, at codon 1091 of the SZT2 protein (p.Arg1091His). This variant is present in population databases (rs142611359, gnomAD 0.02%). This variant has not been reported in the literature in individuals affected with SZT2-related conditions. ClinVar contains an entry for this variant (Variation ID: 655695). Algorithms developed to predict the effect of missense changes on protein structure and function output the following: SIFT: "Tolerated"; PolyPhen-2: "Benign"; Align-GVGD: "Class C0". The histidine amino acid residue is found in multiple mammalian species, which suggests that this missense change does not adversely affect protein function. In summary, the available evidence is currently insufficient to determine the role of this variant in disease. Therefore, it has been classified as a Variant of Uncertain Significance.

NM_001365999.1(SZT2):c.3443G>A (p.Arg1148His)

Gene: SZT2 (SZT2 subunit of KICSTOR complex; plus strand). Cytogenetic location: 1p34.2.
Variant type: single nucleotide variant.
Coding change: c.3443G>A on transcript NM_001365999.1 (MANE Select); coding-DNA position 3443, G replaced by A.
Protein change: p.Arg1148His; replaces arginine 1148 with histidine.
Molecular consequence: missense variant.
Genome position (GRCh38, 1-based): chr1:43,427,290, G>A. VCF-style: chr1-43427290-G-A. GRCh37 (hg19) VCF-style: chr1-43892961-G-A.
Other names: c.3272G>A, p.Arg1091His (NM_015284.4); short protein forms R1091H, R1148H.
Identifiers: ClinVar variation 655695 (VCV000655695.11), dbSNP rs142611359, ClinGen allele CA808997.